The following is an entry in ClinVar:

NM_001080517.3(SETD5):c.697C>G (p.Leu233Val)

Gene: SETD5 (SET domain containing 5; plus strand). Cytogenetic location: 3p25.3.
Variant type: single nucleotide variant.
Coding change: c.697C>G on transcript NM_001080517.3 (MANE Select); coding-DNA position 697, C replaced by G.
Protein change: p.Leu233Val; replaces leucine 233 with valine.
Molecular consequence: missense variant.
Genome position (GRCh38, 1-based): chr3:9,440,585, C>G. VCF-style: chr3-9440585-C-G. GRCh37 (hg19) VCF-style: chr3-9482269-C-G.
Other names: c.403C>G, p.Leu135Val (NM_001292043.2, NM_001349451.2); short protein forms L135V, L233V.
Identifiers: ClinVar variation 3342908 (VCV003342908.1).

ClinVar aggregate classification (germline): Uncertain significance (1 of 4 stars; one submission).

gnomAD v4.1: 1 of 1,613,966 alleles (0.000062%); highest among the groups gnomAD compares: Middle Eastern, 0.016%; no homozygotes.

Submission:

GeneDx
Classification: Uncertain significance. Last evaluated: 2023-04-08. Review status: criteria provided, single submitter. Criteria: GeneDx Variant Classification Process June 2021. Collection method: clinical testing. Allele origin: germline. Affected: yes.
Comment: Not observed at significant frequency in large population cohorts (gnomAD); In silico analysis supports that this missense variant does not alter protein structure/function; Has not been previously published as pathogenic or benign to our knowledge